The following is an entry in ClinVar:

NM_004183.4(BEST1):c.1066C>T (p.Arg356Ter)

Gene: BEST1 (bestrophin 1; plus strand). Cytogenetic location: 11q12.3.
Variant type: single nucleotide variant.
Coding change: c.1066C>T on transcript NM_004183.4 (MANE Select); coding-DNA position 1066, C replaced by T.
Protein change: p.Arg356Ter; replaces arginine 356 with a stop codon.
Molecular consequence: nonsense. On other transcripts: synonymous variant (1), non-coding transcript variant (1).
Genome position (GRCh38, 1-based): chr11:61,960,009, C>T. VCF-style: chr11-61960009-C-T. GRCh37 (hg19) VCF-style: chr11-61727481-C-T.
Other names: c.886C>T, p.Arg296Ter (NM_001139443.3, NM_001300787.2); c.805C>T, p.Arg269Ter (NM_001300786.2); c.748C>T, p.Arg250Ter (NM_001363591.3); c.1269C>T, p.Val423= (NM_001363592.2); c.94C>T, p.Arg32Ter (NM_001363593.3); short protein forms R250*, R269*, R296*, R32*, R356*.
Identifiers: ClinVar variation 1074134 (VCV001074134.12), dbSNP rs1295669283, ClinGen allele CA380846343.

ClinVar aggregate classification (germline): Pathogenic. Review status: criteria provided, multiple submitters, no conflicts (2 of 4 stars). 3 submissions from 3 submitters: Pathogenic (2). 1 of the submissions does not count toward it. Last evaluated 2026-01-22.

Conditions:
BEST1-related disorder. Also called: BEST1-related disorders; BEST1-related condition. Identifiers: MedGen CN239200.
Vitelliform macular dystrophy 2. Also called: VITELLIFORM MACULAR DYSTROPHY, EARLY-ONSET; VITELLIFORM MACULAR DYSTROPHY, JUVENILE-ONSET; Best Macular Dystrophy; Best Vitelliform Macular Dystrophy (BVMD); MACULAR DEGENERATION, POLYMORPHIC VITELLINE; Best vitelliform macular dystrophy, multifocal. Identifiers: Orphanet 1243, MedGen C2745945, MONDO:0007931, OMIM 153700.

Allele frequency attached by ClinVar (database versions not stated): gnomAD exomes below 0.00001; TOPMed below 0.00001; gnomAD 0.00001.
gnomAD v4.1: 16 of 1,610,720 alleles (0.00099%); highest among the groups gnomAD compares: Non-Finnish European, 0.0013%; no homozygotes.

Submissions (3):

Labcorp Genetics (formerly Invitae), Labcorp
Classification: Pathogenic. Last evaluated: 2026-01-22. Review status: criteria provided, single submitter. Criteria: Invitae Variant Classification Sherloc (09022015). Collection method: clinical testing. Allele origin: germline.
Comment: This sequence change creates a premature translational stop signal (p.Arg356*) in the BEST1 gene. It is expected to result in an absent or disrupted protein product. Loss-of-function variants in BEST1 are known to be pathogenic (PMID: 21825197). This variant is present in population databases (no rsID available, gnomAD 0.002%). This premature translational stop signal has been observed in individual(s) with clinical features of autosomal recessive bestrophinopathy (PMID: 21825197, 28559085). This variant has been reported in individual(s) with autosomal dominant macular dystrophy (internal data); however, the role of the variant in this condition is currently unclear. ClinVar contains an entry for this variant (Variation ID: 1074134). For these reasons, this variant has been classified as Pathogenic.

Blueprint Genetics
Classification: Pathogenic for BEST1-related disorders. Last evaluated: 2023-03-10. Review status: criteria provided, single submitter. Criteria: ACMG Guidelines, 2015. Collection method: clinical testing. Allele origin: germline. Affected: yes. Observed: 3 variant alleles.

Genomics England Pilot Project, Genomics England
Classification: Pathogenic for Vitelliform macular dystrophy 2. Review status: no assertion criteria provided. Criteria: ACGS Guidelines, 2016. Collection method: clinical testing. Allele origin: germline. Affected: yes. Not counted in ClinVar's aggregate classification.

Literature cited by the submitters: PubMed 21825197 (cited by Labcorp Genetics (formerly Invitae), Labcorp); PubMed 28559085 (cited by Labcorp Genetics (formerly Invitae), Labcorp).